The following is an entry in ClinVar:

ClinVar aggregate classification (germline): Uncertain significance (1 of 4 stars; one submission).

Submission:

Ambry Genetics
Classification: Uncertain significance. Last evaluated: 2022-03-04. Review status: criteria provided, single submitter. Criteria: Ambry Variant Classification Scheme 2023. Collection method: clinical testing. Allele origin: germline.
Comment: The p.L2149P variant (also known as c.6446T>C), located in coding exon 48 of the PRKDC gene, results from a T to C substitution at nucleotide position 6446. The leucine at codon 2149 is replaced by proline, an amino acid with similar properties. This amino acid position is conserved. Since supporting evidence is limited at this time, the clinical significance of this alteration remains unclear.

NM_006904.7(PRKDC):c.6446T>C (p.Leu2149Pro)

Gene: PRKDC (protein kinase, DNA-activated, catalytic subunit; minus strand). Cytogenetic location: 8q11.21.
Variant type: single nucleotide variant.
Coding change: c.6446T>C on transcript NM_006904.7 (MANE Select); coding-DNA position 6446, T replaced by C.
Protein change: p.Leu2149Pro; replaces leucine 2149 with proline.
Molecular consequence: missense variant.
Genome position (GRCh38, 1-based): chr8:47,858,535, A>G on the plus strand (T>C on the coding strand, the complement: PRKDC is on the minus strand). VCF-style: chr8-47858535-A-G. GRCh37 (hg19) VCF-style: chr8-48771096-A-G.
Other names: c.6446T>C, p.Leu2149Pro (NM_001081640.2); short protein forms L2149P.
Identifiers: ClinVar variation 1753572 (VCV001753572.2), dbSNP rs2551869951, ClinGen allele CA371160460.